The following is an entry in ClinVar:

NM_182916.3(TRNT1):c.155T>C (p.Phe52Ser)

Gene: TRNT1 (tRNA nucleotidyl transferase 1; plus strand). Cytogenetic location: 3p26.2.
Variant type: single nucleotide variant.
Coding change: c.155T>C on transcript NM_182916.3 (MANE Select); coding-DNA position 155, T replaced by C.
Protein change: p.Phe52Ser; replaces phenylalanine 52 with serine.
Molecular consequence: missense variant. On other transcripts: non-coding transcript variant (8).
Genome position (GRCh38, 1-based): chr3:3,137,266, T>C. VCF-style: chr3-3137266-T-C. GRCh37 (hg19) VCF-style: chr3-3178950-T-C.
Other names: c.155T>C, p.Phe52Ser (NM_001302946.2, NM_001367321.1, NM_001367322.1 and 1 more transcripts); short protein forms F52S.
Identifiers: ClinVar variation 1010033 (VCV001010033.5), dbSNP rs1705383984, ClinGen allele CA351442925.

ClinVar aggregate classification (germline): Uncertain significance (1 of 4 stars; one submission).

Conditions:
Congenital sideroblastic anemia-B-cell immunodeficiency-periodic fever-developmental delay syndrome. Also called: Sideroblastic anemia with B-cell immunodeficiency, periodic fevers, and developmental delay. Identifiers: Orphanet 369861, MedGen C4015172, MONDO:0014487, OMIM 616084.

Allele frequency attached by ClinVar (database versions not stated): gnomAD exomes 0.00001.
gnomAD v4.1: 3 of 1,578,244 alleles (0.00019%); highest among the groups gnomAD compares: Non-Finnish European, 0.00026%; no homozygotes.

Submission:

Labcorp Genetics (formerly Invitae), Labcorp
Classification: Uncertain significance for Congenital sideroblastic anemia-B-cell immunodeficiency-periodic fever-developmental delay syndrome. Last evaluated: 2022-07-05. Review status: criteria provided, single submitter. Criteria: Invitae Variant Classification Sherloc (09022015). Collection method: clinical testing. Allele origin: germline.
Comment: In summary, the available evidence is currently insufficient to determine the role of this variant in disease. Therefore, it has been classified as a Variant of Uncertain Significance. Algorithms developed to predict the effect of missense changes on protein structure and function are either unavailable or do not agree on the potential impact of this missense change (SIFT: "Deleterious"; PolyPhen-2: "Probably Damaging"; Align-GVGD: "Class C0"). ClinVar contains an entry for this variant (Variation ID: 1010033). This variant has not been reported in the literature in individuals affected with TRNT1-related conditions. This variant is not present in population databases (gnomAD no frequency). This sequence change replaces phenylalanine, which is neutral and non-polar, with serine, which is neutral and polar, at codon 52 of the TRNT1 protein (p.Phe52Ser).